The following is an entry in ClinVar:

NM_144773.4(PROKR2):c.1019C>G (p.Thr340Ser)

Gene: PROKR2 (prokineticin receptor 2; minus strand). Cytogenetic location: 20p12.3.
Variant type: single nucleotide variant.
Coding change: c.1019C>G on transcript NM_144773.4 (MANE Select); coding-DNA position 1019, C replaced by G.
Protein change: p.Thr340Ser; replaces threonine 340 with serine.
Molecular consequence: missense variant.
Genome position (GRCh38, 1-based): chr20:5,302,176, G>C on the plus strand (C>G on the coding strand, the complement: PROKR2 is on the minus strand). VCF-style: chr20-5302176-G-C. GRCh37 (hg19) VCF-style: chr20-5282822-G-C.
Other names: short protein forms T340S.
Identifiers: ClinVar variation 1184526 (VCV001184526.4), dbSNP rs2122203627, ClinGen allele CA408166441.

ClinVar aggregate classification (germline): Uncertain significance. Review status: criteria provided, single submitter (1 of 4 stars). 3 submissions from 3 submitters: Uncertain significance (1). 2 of the submissions do not count toward it. Last evaluated 2025-03-25.

Conditions:
Hypogonadotropic hypogonadism 3 with or without anosmia (HH3). Also called: HYPOGONADOTROPIC HYPOGONADISM 3 WITH ANOSMIA; PROKR2-Related GnRH Deficiency (Kallmann Syndrome 3). Identifiers: Orphanet 478, MedGen C3550478, MONDO:0009482, OMIM 244200.
Amenorrhea. Identifiers: MedGen C0002453, MONDO:0001836, HP:0000141.

Allele frequency attached by ClinVar (database versions not stated): gnomAD exomes below 0.00001.
gnomAD v4.1: 6 of 1,614,196 alleles (0.00037%); highest among the groups gnomAD compares: Non-Finnish European, 0.00034%; no homozygotes.

Submissions (3):

Labcorp Genetics (formerly Invitae), Labcorp
Classification: Uncertain significance. Last evaluated: 2025-03-25. Review status: criteria provided, single submitter. Criteria: Invitae Variant Classification Sherloc (09022015). Collection method: clinical testing. Allele origin: germline.
Comment: This sequence change replaces threonine, which is neutral and polar, with serine, which is neutral and polar, at codon 340 of the PROKR2 protein (p.Thr340Ser). This variant is not present in population databases (gnomAD no frequency). This missense change has been observed in individual(s) with PROKR2-related conditions (PMID: 29419413). ClinVar contains an entry for this variant (Variation ID: 1184526). Invitae Evidence Modeling of protein sequence and biophysical properties (such as structural, functional, and spatial information, amino acid conservation, physicochemical variation, residue mobility, and thermodynamic stability) indicates that this missense variant is not expected to disrupt PROKR2 protein function with a negative predictive value of 80%. In summary, the available evidence is currently insufficient to determine the role of this variant in disease. Therefore, it has been classified as a Variant of Uncertain Significance.

Yale Center for Mendelian Genomics, Yale University
Classification: Uncertain significance for Amenorrhea. Last evaluated: 2021-03-08. Review status: no assertion criteria provided. Collection method: literature only. Allele origin: unknown. Affected: yes. Observed: 1 heterozygote. Study: Yale Center for Mendelian Genomics. Not counted in ClinVar's aggregate classification.

Genomics England Pilot Project, Genomics England
Classification: Likely pathogenic for Hypogonadotropic hypogonadism 3 with or without anosmia. Review status: no assertion criteria provided. Criteria: ACGS Guidelines, 2016. Collection method: clinical testing. Allele origin: germline. Affected: yes. Not counted in ClinVar's aggregate classification.

Literature cited by the submitters: PubMed 29419413 (cited by Labcorp Genetics (formerly Invitae), Labcorp); PubMed 32870266 (cited by Yale Center for Mendelian Genomics, Yale University).